The following is an entry in ClinVar:

NM_000455.5(STK11):c.1133G>A (p.Ser378Asn)

Gene: STK11 (serine/threonine kinase 11; plus strand). Cytogenetic location: 19p13.3.
Variant type: single nucleotide variant.
Coding change: c.1133G>A on transcript NM_000455.5 (MANE Select); coding-DNA position 1133, G replaced by A.
Protein change: p.Ser378Asn; replaces serine 378 with asparagine.
Molecular consequence: missense variant.
Genome position (GRCh38, 1-based): chr19:1,226,478, G>A. VCF-style: chr19-1226478-G-A. GRCh37 (hg19) VCF-style: chr19-1226477-G-A.
Other names: short protein forms S378N.
Identifiers: ClinVar variation 1729109 (VCV001729109.5), dbSNP rs1555740077, ClinGen allele CA402953249.
Genomic context (GRCh38, chr19:1,226,478, plus strand): 5'-CCTCAGCTCAGGCCACACTTGCCGTCTCCCTCCCAGGACAGGTCCCAGAAGAGGAGGCCA[G>A]TCACAATGGACAGCGCCGGGGCCTCCCCAAGGCCGTGTGTATGAACGGCACAGAGGCGGC-3'
Protein context (NP_000446.1, residues 368-388): VPGQVPEEEA[Ser378Asn]HNGQRRGLPK

ClinVar aggregate classification (germline): Conflicting classifications of pathogenicity. Review status: criteria provided, conflicting classifications (1 of 4 stars). 2 submissions from 2 submitters: Uncertain significance (1); Likely benign (1). Last evaluated 2026-04-23.

Conditions:
Hereditary cancer-predisposing syndrome. Also called: Neoplastic Syndromes, Hereditary; Tumor predisposition; Hereditary Cancer Syndrome; Hereditary neoplastic syndrome. Identifiers: Orphanet 140162, MedGen C0027672, MeSH D009386, MONDO:0015356.
Peutz-Jeghers syndrome (PJS). Also called: POLYPOSIS, HAMARTOMATOUS INTESTINAL; POLYPS-AND-SPOTS SYNDROME; Peutz-Jeghers polyposis; Periorificial lentiginosis syndrome. Identifiers: Orphanet 2869, MedGen C0031269, MeSH D010580, MONDO:0008280, OMIM 175200.

Submissions (2):

Ambry Genetics
Classification: Likely benign for Hereditary cancer-predisposing syndrome. Last evaluated: 2026-04-23. Review status: criteria provided, single submitter. Criteria: Ambry Variant Classification Scheme 2023. Collection method: clinical testing. Allele origin: germline.

Labcorp Genetics (formerly Invitae), Labcorp
Classification: Uncertain significance for Peutz-Jeghers syndrome. Last evaluated: 2025-07-16. Review status: criteria provided, single submitter. Criteria: Invitae Variant Classification Sherloc (09022015). Collection method: clinical testing. Allele origin: germline.
Comment: This sequence change replaces serine, which is neutral and polar, with asparagine, which is neutral and polar, at codon 378 of the STK11 protein (p.Ser378Asn). This variant is not present in population databases (gnomAD no frequency). This variant has not been reported in the literature in individuals affected with STK11-related conditions. ClinVar contains an entry for this variant (Variation ID: 1729109). Invitae Evidence Modeling of protein sequence and biophysical properties (such as structural, functional, and spatial information, amino acid conservation, physicochemical variation, residue mobility, and thermodynamic stability) indicates that this missense variant is not expected to disrupt STK11 protein function with a negative predictive value of 95%. In summary, the available evidence is currently insufficient to determine the role of this variant in disease. Therefore, it has been classified as a Variant of Uncertain Significance.